The following is an entry in ClinVar:

NM_022436.3(ABCG5):c.904+1G>C

Genes: ABCG5 (ATP binding cassette subfamily G member 5; minus strand), DYNC2LI1 (dynein cytoplasmic 2 light intermediate chain 1; plus strand). Cytogenetic location: 2p21.
Variant type: single nucleotide variant.
Coding change: c.904+1G>C on transcript NM_022436.3 (MANE Select); the canonical splice donor site of the intron after coding-DNA position 904, G replaced by C.
Molecular consequence: splice donor variant. On other transcripts: intron variant (2).
Genome position (GRCh38, 1-based): chr2:43,824,888, C>G on the plus strand (G>C on the coding strand, the complement: ABCG5 is on the minus strand). VCF-style: chr2-43824888-C-G. GRCh37 (hg19) VCF-style: chr2-44052027-C-G.
Other names: c.*16-2498C>G (NM_001348913.2, NM_001348912.2).
Identifiers: ClinVar variation 4808924 (VCV004808924.1).

ClinVar aggregate classification (germline): Pathogenic (1 of 4 stars; one submission).

Conditions:
Sitosterolemia (STSL). Also called: PHYTOSTEROLEMIA. Identifiers: Orphanet 2882, MedGen C0342907, MONDO:0008863.

gnomAD v4.1: 2 of 1,613,888 alleles (0.00012%); highest among the groups gnomAD compares: East Asian, 0.0045%; no homozygotes.

Submission:

Labcorp Genetics (formerly Invitae), Labcorp
Classification: Pathogenic for Sitosterolemia. Last evaluated: 2025-07-09. Review status: criteria provided, single submitter. Criteria: Invitae Variant Classification Sherloc (09022015). Collection method: clinical testing. Allele origin: germline.
Comment: This sequence change affects a donor splice site in intron 7 of the ABCG5 gene. It is expected to disrupt RNA splicing. Variants that disrupt the donor or acceptor splice site typically lead to a loss of protein function (PMID: 16199547), and loss-of-function variants in ABCG5 are known to be pathogenic (PMID: 11138003, 25665839). This variant is not present in population databases (gnomAD no frequency). Disruption of this splice site has been observed in individuals with sitosterolemia (PMID: 34969652). Algorithms developed to predict the effect of sequence changes on RNA splicing suggest that this variant may disrupt the consensus splice site. For these reasons, this variant has been classified as Pathogenic.

Literature cited by the submitters: PubMed 16199547; PubMed 11138003; PubMed 25665839; PubMed 34969652.